The following is an entry in ClinVar:

NM_007194.4(CHEK2):c.68G>A (p.Gly23Asp)

Gene: CHEK2 (checkpoint kinase 2; minus strand). Cytogenetic location: 22q12.1.
Variant type: single nucleotide variant.
Coding change: c.68G>A on transcript NM_007194.4 (MANE Select); coding-DNA position 68, G replaced by A.
Protein change: p.Gly23Asp; replaces glycine 23 with aspartic acid.
Molecular consequence: missense variant.
Genome position (GRCh38, 1-based): chr22:28,734,654, C>T on the plus strand (G>A on the coding strand, the complement: CHEK2 is on the minus strand). VCF-style: chr22-28734654-C-T. GRCh37 (hg19) VCF-style: chr22-29130642-C-T.
Other names: c.68G>A, p.Gly23Asp (NM_001005735.3, NM_001349956.3, NM_145862.3); c.-710G>A (NM_001257387.3); short protein forms G23D.
Identifiers: ClinVar variation 826694 (VCV000826694.15), dbSNP rs1601853772, ClinGen allele CA411091731.

ClinVar aggregate classification (germline): Uncertain significance. Review status: criteria provided, multiple submitters, no conflicts (2 of 4 stars). 3 submissions from 3 submitters: Uncertain significance (3). Last evaluated 2025-02-03.

Conditions:
Familial cancer of breast. Also called: BREAST CANCER, FAMILIAL; Hereditary breast cancer; hereditary breast carcinoma. Identifiers: Orphanet 227535, MedGen C0346153, MONDO:0016419, OMIM 114480. Disease mechanism: loss of function.
Hereditary cancer-predisposing syndrome. Also called: Neoplastic Syndromes, Hereditary; Tumor predisposition; Hereditary neoplastic syndrome; Hereditary Cancer Syndrome. Identifiers: Orphanet 140162, MedGen C0027672, MeSH D009386, MONDO:0015356.

Allele frequency attached by ClinVar (database versions not stated): gnomAD exomes below 0.00001.
gnomAD v4.1: 1 of 1,613,856 alleles (0.000062%); highest among the groups gnomAD compares: Non-Finnish European, 0.000085%; no homozygotes.

Submissions (3):

Ambry Genetics
Classification: Uncertain significance for Hereditary cancer-predisposing syndrome. Last evaluated: 2025-02-03. Review status: criteria provided, single submitter. Criteria: Ambry Variant Classification Scheme 2023. Collection method: clinical testing. Allele origin: germline.
Comment: The p.G23D variant (also known as c.68G>A), located in coding exon 1 of the CHEK2 gene, results from a G to A substitution at nucleotide position 68. The glycine at codon 23 is replaced by aspartic acid, an amino acid with similar properties. This amino acid position is well conserved in available vertebrate species. In addition, the in silico prediction for this alteration is inconclusive. Based on the available evidence, the clinical significance of this variant remains unclear.

Labcorp Genetics (formerly Invitae), Labcorp
Classification: Uncertain significance for Familial cancer of breast. Last evaluated: 2023-12-11. Review status: criteria provided, single submitter. Criteria: Invitae Variant Classification Sherloc (09022015). Collection method: clinical testing. Allele origin: germline.
Comment: This sequence change replaces glycine, which is neutral and non-polar, with aspartic acid, which is acidic and polar, at codon 23 of the CHEK2 protein (p.Gly23Asp). This variant is not present in population databases (gnomAD no frequency). This variant has not been reported in the literature in individuals affected with CHEK2-related conditions. ClinVar contains an entry for this variant (Variation ID: 826694). An algorithm developed to predict the effect of missense changes on protein structure and function (PolyPhen-2) suggests that this variant is likely to be disruptive. In summary, the available evidence is currently insufficient to determine the role of this variant in disease. Therefore, it has been classified as a Variant of Uncertain Significance.

Color Diagnostics, LLC DBA Color Health
Classification: Uncertain significance for Hereditary cancer-predisposing syndrome. Last evaluated: 2023-07-24. Review status: criteria provided, single submitter. Criteria: ACMG Guidelines, 2015. Collection method: clinical testing. Allele origin: germline.
Comment: This missense variant replaces glycine with aspartic acid at codon 23 of the CHEK2 protein. Computational prediction suggests that this variant may not impact protein structure and function (internally defined REVEL score threshold <= 0.5, PMID: 27666373). To our knowledge, functional studies have not been reported for this variant. This variant has not been reported in individuals affected with CHEK2-related disorders in the literature. This variant has not been identified in the general population by the Genome Aggregation Database (gnomAD). The available evidence is insufficient to determine the role of this variant in disease conclusively. Therefore, this variant is classified as a Variant of Uncertain Significance.